The following is an entry in ClinVar:

NM_024996.7(GFM1):c.1792C>T (p.Pro598Ser)

Gene: GFM1 (G elongation factor mitochondrial 1; plus strand). Cytogenetic location: 3q25.32.
Variant type: single nucleotide variant.
Coding change: c.1792C>T on transcript NM_024996.7 (MANE Select); coding-DNA position 1792, C replaced by T.
Protein change: p.Pro598Ser; replaces proline 598 with serine.
Molecular consequence: missense variant. On other transcripts: non-coding transcript variant (2).
Genome position (GRCh38, 1-based): chr3:158,684,551, C>T. VCF-style: chr3-158684551-C-T. GRCh37 (hg19) VCF-style: chr3-158402340-C-T.
Other names: c.1849C>T, p.Pro617Ser (NM_001308164.2); c.1711C>T, p.Pro571Ser (NM_001374355.1); c.1675C>T, p.Pro559Ser (NM_001374356.1); c.1567C>T, p.Pro523Ser (NM_001374357.1); c.1333C>T, p.Pro445Ser (NM_001374358.1); c.1225C>T, p.Pro409Ser (NM_001374359.1, NM_001374360.1); c.1108C>T, p.Pro370Ser (NM_001374361.1); short protein forms P409S, P523S, P617S, P370S, P559S, P571S, P598S, P445S.
Identifiers: ClinVar variation 1505267 (VCV001505267.8), dbSNP rs2108102486, ClinGen allele CA355181955.

ClinVar aggregate classification (germline): Uncertain significance (1 of 4 stars; one submission).

Submission:

Labcorp Genetics (formerly Invitae), Labcorp
Classification: Uncertain significance. Last evaluated: 2023-07-17. Review status: criteria provided, single submitter. Criteria: Invitae Variant Classification Sherloc (09022015). Collection method: clinical testing. Allele origin: germline.
Comment: This sequence change replaces proline, which is neutral and non-polar, with serine, which is neutral and polar, at codon 598 of the GFM1 protein (p.Pro598Ser). This variant is not present in population databases (gnomAD no frequency). Advanced modeling of protein sequence and biophysical properties (such as structural, functional, and spatial information, amino acid conservation, physicochemical variation, residue mobility, and thermodynamic stability) has been performed at Invitae for this missense variant, however the output from this modeling did not meet the statistical confidence thresholds required to predict the impact of this variant on GFM1 protein function. In summary, the available evidence is currently insufficient to determine the role of this variant in disease. Therefore, it has been classified as a Variant of Uncertain Significance. ClinVar contains an entry for this variant (Variation ID: 1505267). This variant has not been reported in the literature in individuals affected with GFM1-related conditions.